The following is an entry in ClinVar:

NC_000002.11:g.(?_175612832)_(175619162_?)del

Gene: CHRNA1 (cholinergic receptor nicotinic alpha 1 subunit; minus strand). Cytogenetic location: 2q31.1.
Variant type: Deletion.
Identifiers: ClinVar variation 1076455 (VCV001076455.2).

ClinVar aggregate classification (germline): Pathogenic (1 of 4 stars; one submission).

Conditions:
Lethal multiple pterygium syndrome (LMPS). Identifiers: Orphanet 33108, MedGen C1854678, MONDO:0009668, OMIM 253290.

Submission:

Labcorp Genetics (formerly Invitae), Labcorp
Classification: Pathogenic for Lethal multiple pterygium syndrome. Last evaluated: 2022-07-12. Review status: criteria provided, single submitter. Criteria: Invitae Variant Classification Sherloc (09022015). Collection method: clinical testing. Allele origin: germline.
Comment: This variant is a gross deletion of the genomic region encompassing exon(s) 5-9 of the CHRNA1 gene, which includes the termination codon. This deletion extends beyond the assayed region for this gene and therefore may encompass additional genes. While this deletion is not anticipated to lead to nonsense mediated decay, it is expected to alter mRNA translation or result in a truncated protein product. This variant has not been reported in the literature in individuals affected with CHRNA1-related conditions. This truncation eliminates multiple conserved functional regions (transmembrane, cytoplasmic) of the CHRNA1 protein (PMID: 25348405, 22728938) and a high percentage of previously reported CHRNA1 missense mutations have been found in the truncated region (PMID: 14719537, 27748205, 10195214). These observations suggest that this truncation will result in a non-functional CHRNA1 protein product. For these reasons, this variant has been classified as Pathogenic.

Literature cited by the submitters: PubMed 25348405; PubMed 22728938; PubMed 14719537; PubMed 27748205; PubMed 10195214.